The following is an entry in ClinVar:

ClinVar aggregate classification (germline): Uncertain significance. Review status: criteria provided, multiple submitters, no conflicts (2 of 4 stars). 2 submissions from 2 submitters: Uncertain significance (2). Last evaluated 2023-11-27.

Allele frequency attached by ClinVar (database versions not stated): gnomAD exomes below 0.00001 and 0.00001; TOPMed below 0.00001; ExAC 0.00003.
gnomAD v4.1: 2 of 1,587,552 alleles (0.00013%); highest among the groups gnomAD compares: Admixed American, 0.0036%; no homozygotes.

Submissions (2):

Labcorp Genetics (formerly Invitae), Labcorp
Classification: Uncertain significance. Last evaluated: 2023-11-27. Review status: criteria provided, single submitter. Criteria: Invitae Variant Classification Sherloc (09022015). Collection method: clinical testing. Allele origin: germline.
Comment: This sequence change replaces glutamic acid, which is acidic and polar, with lysine, which is basic and polar, at codon 1175 of the DHX38 protein (p.Glu1175Lys). The frequency data for this variant in the population databases is considered unreliable, as metrics indicate poor data quality at this position in the gnomAD database. This variant has not been reported in the literature in individuals affected with DHX38-related conditions. ClinVar contains an entry for this variant (Variation ID: 1524984). Advanced modeling of protein sequence and biophysical properties (such as structural, functional, and spatial information, amino acid conservation, physicochemical variation, residue mobility, and thermodynamic stability) performed at Invitae indicates that this missense variant is not expected to disrupt DHX38 protein function with a negative predictive value of 80%. In summary, the available evidence is currently insufficient to determine the role of this variant in disease. Therefore, it has been classified as a Variant of Uncertain Significance.

Blueprint Genetics
Classification: Uncertain significance. Last evaluated: 2022-09-01. Review status: criteria provided, single submitter. Criteria: ACMG Guidelines, 2015. Collection method: clinical testing. Allele origin: germline.

NM_014003.4(DHX38):c.3523G>A (p.Glu1175Lys)

Gene: DHX38 (DEAH-box helicase 38; plus strand). Cytogenetic location: 16q22.2.
Variant type: single nucleotide variant.
Coding change: c.3523G>A on transcript NM_014003.4 (MANE Select); coding-DNA position 3523, G replaced by A.
Protein change: p.Glu1175Lys; replaces glutamic acid 1175 with lysine.
Molecular consequence: missense variant.
Genome position (GRCh38, 1-based): chr16:72,111,001, G>A. VCF-style: chr16-72111001-G-A. GRCh37 (hg19) VCF-style: chr16-72144900-G-A.
Other names: short protein forms E1175K.
Identifiers: ClinVar variation 1524984 (VCV001524984.5), dbSNP rs770100144, ClinGen allele CA8161022.